The following is an entry in ClinVar:

ClinVar aggregate classification (germline): Likely pathogenic. Review status: reviewed by expert panel (3 of 4 stars). 5 submissions from 5 submitters: Likely pathogenic (1). 4 of the submissions do not count toward it. Last evaluated 2025-11-03.

Conditions:
IDUA-related disorder. Also called: IDUA-related condition.
Mucopolysaccharidosis type 1. Also called: IDUA deficiency; MPS I; Mucopolysaccharidosis Type I. Identifiers: Orphanet 579, MedGen C0023786, MONDO:0001586.
Hurler syndrome. Also called: MUCOPOLYSACCHARIDOSIS TYPE IH; Gargoylism, Hurler Syndrome; Severe MPS I (Hurler Syndrome). Identifiers: Orphanet 93473, MedGen C0086795, MONDO:0011758, OMIM 607014.

Allele frequency attached by ClinVar (database versions not stated): gnomAD exomes below 0.00001; TOPMed 0.00001.

Submissions (5):

ClinGen Lysosomal Storage Disorder Variant Curation Expert Panel
Classification: Likely pathogenic for Mucopolysaccharidosis type 1. Last evaluated: 2025-11-03. Review status: reviewed by expert panel. Criteria: ClinGen LSD ACMG Specifications IDUA V1.1.0. Collection method: curation. Allele origin: germline. Inheritance: Autosomal recessive inheritance.
Comment: NM_000203.5(IDUA):c.590G>A: variant in IDUA is a missense variant in exon 6, predicted to cause substitution of glycine by aspartate at amino acid 197, p.Gly197Asp. The variant has been reported in at least two probands with MPS I (PMID: 32188113, 12203999, 39754079). Both of these individuals are compound heterozygous for the variant and another variant in IDUA that has been classified as pathogenic for MPS I by the ClinGen LD VCEP, including c.1598C>G (p.Pro533Arg) (ClinVar Variation ID: 11910) (PMID: 32188113, 12203999: PM3, 0.5 points, phase unknown) and c.1139dup (PMID: 39754079, trans confirmed, 1 point) (total 1.5 points, PM3). One has an attenuated phenotype and is part of a cohort in which the diagnosis was “based on the clinical features, excessive urinary glycosaminoglycan excretion, and reduced IDUA activity in fibroblasts and/or leukocytes (PMID: 12203999). Ultrasound examination at 24.0 GW revealed hepatosplenomegaly and dysmorphic features, including a long, broad philtrum, as well as echogenic spots in the liver, spleen, peritoneum, and thymus. IDUA activity in cultured amniocytes was deficient (0.3 µkat/kg normal 33.8 µkat/kg). Placenta analysis showed a single umbilical artery and a microvacuolized appearance of Hofbauer cells, compatible with lysosomal overload (PMID: 39754079) (PP4_Supporting). Of note, another variant, c.494-57G>A, was found to be in cis with c.590G>A in the affected fetus. The c.590G>A variant in IDUA alters the first nucleotide of exon 6. A minigene assay revealed that the variant results in a major transcript with complete retention of intron 5, as well as several alternative transcripts with retention of the last 22, 25 and 28 nucleotides of intron 5. Complete retention of intron 5 leads to a premature stop codon, p.Phe198ValfsTer127 (PMID: 39754079) (PVS1_Strong). Note that the SpliceAI score for acceptor loss for c.590G>A is 0.19 (just below the required threshold of >0.2 for prediction of splice impact). PVS1 (Very strong) was not used because the mini gene assay results were missing from the publication. The highest population minor allele frequency in gnomAD v4.1.0 is 0.000007633 (9/1179014 alleles) in the European (non-Finnish) genetic ancestry group; this is lower than the ClinGen Lysosomal Diseases VCEP’s threshold for PM2_Supporting (<0.00025), due to which we can apply PM2_Supporting. There is a ClinVar entry for this variant (Variation ID: 554670). In summary, this variant meets the criteria to be classified as Likely Pathogenic for MPS1 based on the IDUA-specific ACMG/AMP criteria applied, as specified by the ClinGen Lysosomal Disease Variant Curation Expert Panel (Specifications Version 1.1.0): PVS1_Strong, PM3, PP4, PM2_Supporting (Classification approved by the ClinGen Lysosomal Disease Variant Curation Expert Panel on November 3, 2025)

Natera, Inc.
Classification: Likely pathogenic for Mucopolysaccharidosis type I. Last evaluated: 2025-12-02. Review status: criteria provided, single submitter. Criteria: Natera Variant Classification Schema (03/2026). Collection method: clinical testing. Allele origin: germline. Not counted in ClinVar's aggregate classification.
Comment: The c.590G>A variant in IDUA is a missense variant predicted to cause substitution of glycine to aspartic acid at amino acid 197. This variant is rare in the general population with a frequency below the threshold expected for the associated phenotype(s). This variant has been observed in one or more individuals affected with the associated recessive disease, as either homozygous or compound heterozygous with a second variant (PMID: 12203999). Functional studies show that this variant may disrupt protein function (PMID: 39754079). A different variant at the same position has been determined to be Pathogenic or Likely Pathogenic. Computational prediction algorithms indicate this variant is likely to affect gene or protein function. Given the available evidence, this variant is classified as Likely Pathogenic.

PreventionGenetics, part of Exact Sciences
Classification: Likely pathogenic for IDUA-related condition. Last evaluated: 2025-09-12. Review status: criteria provided, single submitter. Criteria: ACMG Guidelines, 2015. Collection method: clinical testing. Allele origin: germline. Not counted in ClinVar's aggregate classification.
Comment: The IDUA c.590G>A variant is predicted to result in the amino acid substitution p.Gly197Asp. This variant (alternatively reported in the literature also as n.678G>A) occurs at the first nucleotide of exon 6 and is predicted to alter splicing based on available splicing prediction software (SpliceAI, Jaganathan et al. 2019. PubMed ID: 30661751). However, the use of computer prediction softwares is not equivalent to functional evidence. This variant was reported along with IDUA pathogenic variant in three individuals with mucopolysaccharidosis I, where in two cases the variants were confirmed to be in compound heterozygous state (Table 2, Venturi et al. 2002. PubMed ID: 12203999; Matte et al. 2003. PubMed ID: 12559846; Agranier et. al 2025, PubMed ID: 39754079). Minigene functional assay for this variant resulted in observation of premature stop codon (Agranier et. al 2025, PMID: 39754079). Alternative variant at the same codon (p.Gly197Ser) was reported in several individuals with mucopolysaccharidosis I (Table 1D, Thomas et al. 2021. PubMed ID: 33301762). This variant is reported in 0.00094% of alleles in individuals of European (Non-Finnish) descent in gnomAD. This variant is interpreted as likely pathogenic.

Laboratory of Molecular Genetics, CHU Rennes
Classification: Pathogenic for Hurler syndrome. Last evaluated: 2024-12-01. Review status: criteria provided, single submitter. Criteria: ACMG Guidelines, 2015. Collection method: clinical testing. Allele origin: maternal. Affected: yes. Not counted in ClinVar's aggregate classification.
Comment: This variant was observed in cis with the variant NC_000004.12:g.1001411G>A. Each of the variants on this haplotype is predicted to have an effect on splicing. The impact of variants on splicing was confirmed by Minigene construction, with the appearance of a premature stop codon, which are commonly known mechanisms for disease. Identified in trans from another pathogenic variant in IDUA. MPS I was next confirmed by enzymatic analysis with evidence of a deficiency in α-L-iduronidase activity.

Counsyl
Classification: Uncertain significance for Hurler syndrome. Last evaluated: 2017-10-31. Review status: no assertion criteria provided. Collection method: clinical testing. Allele origin: unknown. Not counted in ClinVar's aggregate classification.

Literature cited by the submitters: PubMed 12203999 (cited by Natera, Inc. and Counsyl); PubMed 39754079 (cited by Natera, Inc.); PubMed 12559846 (cited by Counsyl).

NM_000203.5(IDUA):c.590G>A (p.Gly197Asp)

Gene: IDUA (alpha-L-iduronidase; plus strand). Cytogenetic location: 4p16.3.
Variant type: single nucleotide variant.
Coding change: c.590G>A on transcript NM_000203.5 (MANE Select); coding-DNA position 590, G replaced by A.
Protein change: p.Gly197Asp; replaces glycine 197 with aspartic acid.
Molecular consequence: missense variant. On other transcripts: non-coding transcript variant (1).
Genome position (GRCh38, 1-based): chr4:1,001,679, G>A. VCF-style: chr4-1001679-G-A. GRCh37 (hg19) VCF-style: chr4-995467-G-A.
Other names: NM_000203.5(IDUA):c.590G>A; p.Gly197Asp; c.194G>A, p.Gly65Asp (NM_001363576.1); c.590G>A (NM_000203.4); short protein forms G197D, G65D.
Identifiers: ClinVar variation 554670 (VCV000554670.5), dbSNP rs770087890, ClinGen allele CA91167598.